The following is an entry in ClinVar:

NM_003072.5(SMARCA4):c.2471A>G (p.Lys824Arg)

Gene: SMARCA4 (SWI/SNF related BAF chromatin remodeling complex subunit ATPase 4; plus strand). Cytogenetic location: 19p13.2.
Variant type: single nucleotide variant.
Coding change: c.2471A>G on transcript NM_003072.5 (MANE Select); coding-DNA position 2471, A replaced by G.
Protein change: p.Lys824Arg; replaces lysine 824 with arginine.
Molecular consequence: missense variant. On other transcripts: non-coding transcript variant (1).
Genome position (GRCh38, 1-based): chr19:11,018,989, A>G. VCF-style: chr19-11018989-A-G. GRCh37 (hg19) VCF-style: chr19-11129665-A-G.
Other names: c.2471A>G, p.Lys824Arg (NM_001128844.3, NM_001128845.2, NM_001128846.2 and 5 more transcripts); c.2471A>G (NM_001128849.1); short protein forms K824R.
Identifiers: ClinVar variation 1462907 (VCV001462907.10), dbSNP rs2089622665, ClinGen allele CA404053626.

ClinVar aggregate classification (germline): Uncertain significance. Review status: criteria provided, multiple submitters, no conflicts (2 of 4 stars). 2 submissions from 2 submitters: Uncertain significance (2). Last evaluated 2025-10-22.

Conditions:
Hereditary cancer-predisposing syndrome. Also called: Tumor predisposition; Hereditary neoplastic syndrome; Hereditary Cancer Syndrome; Neoplastic Syndromes, Hereditary. Identifiers: Orphanet 140162, MedGen C0027672, MeSH D009386, MONDO:0015356.
Rhabdoid tumor predisposition syndrome 2 (RTPS2). Identifiers: Orphanet 231108, Orphanet 69077, MedGen C2750074, MONDO:0013224, OMIM 613325.

gnomAD v4.1: 2 of 1,614,212 alleles (0.00012%); highest among the groups gnomAD compares: South Asian, 0.0011%; no homozygotes.

Submissions (2):

Ambry Genetics
Classification: Uncertain significance for Hereditary cancer-predisposing syndrome. Last evaluated: 2025-10-22. Review status: criteria provided, single submitter. Criteria: Ambry Variant Classification Scheme 2023. Collection method: clinical testing. Allele origin: germline.
Comment: The p.K824R variant (also known as c.2471A>G), located in coding exon 16 of the SMARCA4 gene, results from an A to G substitution at nucleotide position 2471. The lysine at codon 824 is replaced by arginine, an amino acid with highly similar properties. This amino acid position is highly conserved in available vertebrate species. In addition, the in silico prediction for this alteration is inconclusive. Based on the available evidence, the clinical significance of this variant remains unclear.

Labcorp Genetics (formerly Invitae), Labcorp
Classification: Uncertain significance for Rhabdoid tumor predisposition syndrome 2. Last evaluated: 2021-05-01. Review status: criteria provided, single submitter. Criteria: Invitae Variant Classification Sherloc (09022015). Collection method: clinical testing. Allele origin: germline.
Comment: Algorithms developed to predict the effect of sequence changes on RNA splicing suggest that this variant may create or strengthen a splice site, but this prediction has not been confirmed by published transcriptional studies. Algorithms developed to predict the effect of missense changes on protein structure and function are either unavailable or do not agree on the potential impact of this missense change (SIFT: "Deleterious"; PolyPhen-2: "Benign"; Align-GVGD: "Class C25"). This variant has not been reported in the literature in individuals with SMARCA4-related conditions. This variant is not present in population databases (ExAC no frequency). This sequence change replaces lysine with arginine at codon 824 of the SMARCA4 protein (p.Lys824Arg). The lysine residue is highly conserved and there is a small physicochemical difference between lysine and arginine. In summary, the available evidence is currently insufficient to determine the role of this variant in disease. Therefore, it has been classified as a Variant of Uncertain Significance.